The following is an entry in ClinVar:

NM_206933.4(USH2A):c.14842T>C (p.Cys4948Arg)

Gene: USH2A (usherin; minus strand). Cytogenetic location: 1q41.
Variant type: single nucleotide variant.
Coding change: c.14842T>C on transcript NM_206933.4 (MANE Select); coding-DNA position 14842, T replaced by C.
Protein change: p.Cys4948Arg; replaces cysteine 4948 with arginine.
Molecular consequence: missense variant.
Genome position (GRCh38, 1-based): chr1:215,640,684, A>G on the plus strand (T>C on the coding strand, the complement: USH2A is on the minus strand). VCF-style: chr1-215640684-A-G. GRCh37 (hg19) VCF-style: chr1-215814026-A-G.
Other names: short protein forms C4948R.
Identifiers: ClinVar variation 1425201 (VCV001425201.3), dbSNP rs916761288, ClinGen allele CA37380315.

ClinVar aggregate classification (germline): Uncertain significance (1 of 4 stars; one submission).

Allele frequency attached by ClinVar (database versions not stated): gnomAD 0.00001; TOPMed 0.00001; gnomAD exomes below 0.00001.
gnomAD v4.1: 7 of 1,613,922 alleles (0.00043%); highest among the groups gnomAD compares: Admixed American, 0.012%; no homozygotes.

Submission:

Labcorp Genetics (formerly Invitae), Labcorp
Classification: Uncertain significance. Last evaluated: 2022-08-09. Review status: criteria provided, single submitter. Criteria: Invitae Variant Classification Sherloc (09022015). Collection method: clinical testing. Allele origin: germline.
Comment: This sequence change replaces cysteine, which is neutral and slightly polar, with arginine, which is basic and polar, at codon 4948 of the USH2A protein (p.Cys4948Arg). This variant is present in population databases (no rsID available, gnomAD 0.003%). This variant has not been reported in the literature in individuals affected with USH2A-related conditions. ClinVar contains an entry for this variant (Variation ID: 1425201). Algorithms developed to predict the effect of missense changes on protein structure and function output the following: SIFT: "Tolerated"; PolyPhen-2: "Benign"; Align-GVGD: "Class C0". The arginine amino acid residue is found in multiple mammalian species, which suggests that this missense change does not adversely affect protein function. In summary, the available evidence is currently insufficient to determine the role of this variant in disease. Therefore, it has been classified as a Variant of Uncertain Significance.